The following is an entry in ClinVar:

ClinVar aggregate classification (germline): Pathogenic (1 of 4 stars; one submission).

Conditions:
Bifunctional peroxisomal enzyme deficiency (DBIF). Also called: DBP DEFICIENCY; PBFE DEFICIENCY; D-bifunctional protein deficiency. Identifiers: Orphanet 300, MedGen C0342870, MONDO:0009855, OMIM 261515. Disease mechanism: loss of function.
Perrault syndrome. Also called: Gonadal dysgenesis with auditory dysfunction, autosomal recessive inheritance. Identifiers: Orphanet 2855, MedGen C0685838, MONDO:0017312.

Allele frequency attached by ClinVar (database versions not stated): gnomAD exomes below 0.00001.
gnomAD v4.1: 2 of 1,612,852 alleles (0.00012%); highest among the groups gnomAD compares: Non-Finnish European, 0.00017%; no homozygotes.

Submission:

Labcorp Genetics (formerly Invitae), Labcorp
Classification: Pathogenic for Perrault syndrome; Bifunctional peroxisomal enzyme deficiency. Last evaluated: 2021-06-03. Review status: criteria provided, single submitter. Criteria: Invitae Variant Classification Sherloc (09022015). Collection method: clinical testing. Allele origin: germline.
Comment: This variant has not been reported in the literature in individuals with HSD17B4-related conditions. This sequence change creates a premature translational stop signal (p.Leu247*) in the HSD17B4 gene. It is expected to result in an absent or disrupted protein product. Loss-of-function variants in HSD17B4 are known to be pathogenic (PMID: 11810648, 16385454). This variant is not present in population databases (ExAC no frequency). For these reasons, this variant has been classified as Pathogenic.

Literature cited by the submitters: PubMed 11810648; PubMed 16385454.

NM_000414.4(HSD17B4):c.740T>G (p.Leu247Ter)

Gene: HSD17B4 (hydroxysteroid 17-beta dehydrogenase 4; plus strand). Cytogenetic location: 5q23.1.
Variant type: single nucleotide variant.
Coding change: c.740T>G on transcript NM_000414.4 (MANE Select); coding-DNA position 740, T replaced by G.
Protein change: p.Leu247Ter; replaces leucine 247 with a stop codon.
Molecular consequence: nonsense. On other transcripts: non-coding transcript variant (2).
Genome position (GRCh38, 1-based): chr5:119,493,818, T>G. VCF-style: chr5-119493818-T-G. GRCh37 (hg19) VCF-style: chr5-118829513-T-G.
Other names: c.815T>G, p.Leu272Ter (NM_001199291.3); c.686T>G, p.Leu229Ter (NM_001199292.2); c.668T>G, p.Leu223Ter (NM_001292027.2); c.320T>G, p.Leu107Ter (NM_001292028.2); c.731T>G, p.Leu244Ter (NM_001374497.1); c.740T>G, p.Leu247Ter (NM_001374498.1); c.413T>G, p.Leu138Ter (NM_001374499.1); c.299T>G, p.Leu100Ter (NM_001374500.1); and 1 more; short protein forms L110*, L138*, L100*, L223*, L229*, L244*, L247*, L107*.
Identifiers: ClinVar variation 1454962 (VCV001454962.6), dbSNP rs144141837, ClinGen allele CA360867145.